The following is an entry in ClinVar:

ClinVar aggregate classification (germline): Uncertain significance. Review status: criteria provided, multiple submitters, no conflicts (2 of 4 stars). 2 submissions from 2 submitters: Uncertain significance (2). Last evaluated 2025-05-27.

Conditions:
Hereditary cancer-predisposing syndrome. Also called: Neoplastic Syndromes, Hereditary; Hereditary Cancer Syndrome; Tumor predisposition; Hereditary neoplastic syndrome. Identifiers: Orphanet 140162, MedGen C0027672, MeSH D009386, MONDO:0015356.

Allele frequency attached by ClinVar (database versions not stated): gnomAD exomes below 0.00001.
gnomAD v4.1: 3 of 1,614,188 alleles (0.00019%); highest among the groups gnomAD compares: African/African-American, 0.0013%; no homozygotes.

Submissions (2):

Labcorp Genetics (formerly Invitae), Labcorp
Classification: Uncertain significance. Last evaluated: 2025-05-27. Review status: criteria provided, single submitter. Criteria: Invitae Variant Classification Sherloc (09022015). Collection method: clinical testing. Allele origin: germline.
Comment: This sequence change replaces aspartic acid, which is acidic and polar, with asparagine, which is neutral and polar, at codon 321 of the CTNNA1 protein (p.Asp321Asn). This variant is not present in population databases (gnomAD no frequency). This variant has not been reported in the literature in individuals affected with CTNNA1-related conditions. ClinVar contains an entry for this variant (Variation ID: 943415). Invitae Evidence Modeling of protein sequence and biophysical properties (such as structural, functional, and spatial information, amino acid conservation, physicochemical variation, residue mobility, and thermodynamic stability) indicates that this missense variant is expected to disrupt CTNNA1 protein function with a positive predictive value of 80%. In summary, the available evidence is currently insufficient to determine the role of this variant in disease. Therefore, it has been classified as a Variant of Uncertain Significance.

Ambry Genetics
Classification: Uncertain significance for Hereditary cancer-predisposing syndrome. Last evaluated: 2025-04-03. Review status: criteria provided, single submitter. Criteria: Ambry Variant Classification Scheme 2023. Collection method: clinical testing. Allele origin: germline.
Comment: The p.D321N variant (also known as c.961G>A), located in coding exon 6 of the CTNNA1 gene, results from a G to A substitution at nucleotide position 961. The aspartic acid at codon 321 is replaced by asparagine, an amino acid with highly similar properties. This amino acid position is conserved. In addition, this alteration is predicted to be tolerated by in silico analysis. Since supporting evidence is limited at this time, the clinical significance of this alteration remains unclear.

NM_001903.5(CTNNA1):c.961G>A (p.Asp321Asn)

Gene: CTNNA1 (catenin alpha 1; plus strand). Cytogenetic location: 5q31.2.
Variant type: single nucleotide variant.
Coding change: c.961G>A on transcript NM_001903.5 (MANE Select); coding-DNA position 961, G replaced by A.
Protein change: p.Asp321Asn; replaces aspartic acid 321 with asparagine.
Molecular consequence: missense variant.
Genome position (GRCh38, 1-based): chr5:138,827,617, G>A. VCF-style: chr5-138827617-G-A. GRCh37 (hg19) VCF-style: chr5-138163306-G-A.
Other names: c.961G>A (NM_001903.2); c.961G>A, p.Asp321Asn (NM_001290307.3, NM_001323982.2, NM_001323983.1 and 3 more transcripts); c.652G>A, p.Asp218Asn (NM_001290309.3); c.592G>A, p.Asp198Asn (NM_001290310.3); short protein forms D218N, D321N, D198N.
Identifiers: ClinVar variation 943415 (VCV000943415.12), dbSNP rs1760851474, ClinGen allele CA361130983.
Genomic context (GRCh38, chr5:138,827,617, plus strand): 5'-TTTAGGCCTTCCCTGGAGGAGCGTCTGGAAAGCATCATTAGTGGGGCTGCCTTGATGGCC[G>A]ACTCGTCCTGCACGCGTGATGACCGTCGTGAGCGAATTGTGGCAGAGTGTAATGCTGTCC-3'
Protein context (NP_001894.2, residues 311-331): SIISGAALMA[Asp321Asn]SSCTRDDRRE